The following is an entry in ClinVar:

NM_005219.5(DIAPH1):c.402+5G>A

Gene: DIAPH1 (diaphanous related formin 1; minus strand). Cytogenetic location: 5q31.3.
Variant type: single nucleotide variant.
Coding change: c.402+5G>A on transcript NM_005219.5 (MANE Select); 5 bases into the intron after coding-DNA position 402, G replaced by A.
Molecular consequence: intron variant.
Genome position (GRCh38, 1-based): chr5:141,584,119, C>T on the plus strand (G>A on the coding strand, the complement: DIAPH1 is on the minus strand). VCF-style: chr5-141584119-C-T. GRCh37 (hg19) VCF-style: chr5-140963686-C-T.
Other names: c.375+5G>A (NM_001079812.3); c.402+5G>A (NM_001314007.2).
Identifiers: ClinVar variation 2934993 (VCV002934993.4), dbSNP rs995407717, ClinGen allele CA128442641.
Genomic context (GRCh38, chr5:141,584,119, plus strand): 5'-AAAAAAAACAGGTCCAAGACAAGGGCACAGTCTCCCATGTCATGGGTACCTGTCCCAGGA[C>T]TCACAGCCTTGGAGGTGTACAAGTATTGGGACACCATCTCCCTCTTGATGATGATGTCCT-3'

ClinVar aggregate classification (germline): Uncertain significance. Review status: criteria provided, multiple submitters, no conflicts (2 of 4 stars). 2 submissions from 2 submitters: Uncertain significance (2). Last evaluated 2025-12-01.

Conditions:
Progressive microcephaly-seizures-cortical blindness-developmental delay syndrome. Also called: Seizures, cortical blindness, and microcephaly syndrome. Identifiers: Orphanet 477814, MedGen C5567650, MONDO:0014714, OMIM 616632.
Autosomal dominant nonsyndromic hearing loss 1. Also called: KONIGSMARK SYNDROME; DEAFNESS, AUTOSOMAL DOMINANT 1, WITH OR WITHOUT THROMBOCYTOPENIA. Identifiers: Orphanet 90635, MedGen C1852282, MONDO:0007424, OMIM 124900.

Allele frequency attached by ClinVar (database versions not stated): gnomAD exomes below 0.00001; gnomAD 0.00001; TOPMed 0.00001.
gnomAD v4.1: 5 of 1,588,910 alleles (0.00031%); highest among the groups gnomAD compares: Non-Finnish European, 0.00043%; no homozygotes.

Submissions (2):

Labcorp Genetics (formerly Invitae), Labcorp
Classification: Uncertain significance for Progressive microcephaly-seizures-cortical blindness-developmental delay syndrome; Autosomal dominant nonsyndromic hearing loss 1. Last evaluated: 2025-12-01. Review status: criteria provided, single submitter. Criteria: Invitae Variant Classification Sherloc (09022015). Collection method: clinical testing. Allele origin: germline.
Comment: This sequence change falls in intron 4 of the DIAPH1 gene. It does not directly change the encoded amino acid sequence of the DIAPH1 protein. It affects a nucleotide within the consensus splice site. This variant is present in population databases (no rsID available, gnomAD 0.007%). This variant has not been reported in the literature in individuals affected with DIAPH1-related conditions. ClinVar contains an entry for this variant (Variation ID: 2934993). Variants that disrupt the consensus splice site are a relatively common cause of aberrant splicing (PMID: 17576681, 9536098). Algorithms developed to predict the effect of sequence changes on RNA splicing suggest that this variant may disrupt the consensus splice site. In summary, the available evidence is currently insufficient to determine the role of this variant in disease. Therefore, it has been classified as a Variant of Uncertain Significance.

Fulgent Genetics
Classification: Uncertain significance for Autosomal dominant nonsyndromic hearing loss 1; Progressive microcephaly-seizures-cortical blindness-developmental delay syndrome. Last evaluated: 2024-03-14. Review status: criteria provided, single submitter. Criteria: ACMG Guidelines, 2015. Collection method: clinical testing. Allele origin: germline.

Literature cited by the submitters: PubMed 17576681 (cited by Labcorp Genetics (formerly Invitae), Labcorp); PubMed 9536098 (cited by Labcorp Genetics (formerly Invitae), Labcorp).